The following is an entry in ClinVar:

ClinVar aggregate classification (germline): Uncertain significance (1 of 4 stars; one submission).

Conditions:
Tay-Sachs disease (TSD). Also called: HEXA DEFICIENCY; GM2 gangliosidosis, type 1; Hexosaminidase alpha-subunit deficiency (variant B); Sphingolipidosis, Tay-Sachs; HEXA Disorders; Hexosaminidase A Deficiency. Identifiers: Orphanet 845, MedGen C0039373, MONDO:0010100, OMIM 272800.

gnomAD v4.1: 6 of 1,614,022 alleles (0.00037%); highest among the groups gnomAD compares: Admixed American, 0.01%; 1 homozygote.

Submission:

Labcorp Genetics (formerly Invitae), Labcorp
Classification: Uncertain significance for Tay-Sachs disease. Last evaluated: 2025-02-17. Review status: criteria provided, single submitter. Criteria: Invitae Variant Classification Sherloc (09022015). Collection method: clinical testing. Allele origin: germline.
Comment: This sequence change replaces arginine, which is basic and polar, with proline, which is neutral and non-polar, at codon 413 of the HEXA protein (p.Arg413Pro). This variant is present in population databases (rs766988109, gnomAD 0.01%). This variant has not been reported in the literature in individuals affected with HEXA-related conditions. ClinVar contains an entry for this variant (Variation ID: 1425182). Invitae Evidence Modeling of protein sequence and biophysical properties (such as structural, functional, and spatial information, amino acid conservation, physicochemical variation, residue mobility, and thermodynamic stability) has been performed for this missense variant. However, the output from this modeling did not meet the statistical confidence thresholds required to predict the impact of this variant on HEXA protein function. In summary, the available evidence is currently insufficient to determine the role of this variant in disease. Therefore, it has been classified as a Variant of Uncertain Significance.

NM_000520.6(HEXA):c.1238G>C (p.Arg413Pro)

Gene: HEXA (hexosaminidase subunit alpha; minus strand). Cytogenetic location: 15q23.
Variant type: single nucleotide variant.
Coding change: c.1238G>C on transcript NM_000520.6 (MANE Select); coding-DNA position 1238, G replaced by C.
Protein change: p.Arg413Pro; replaces arginine 413 with proline.
Molecular consequence: missense variant.
Genome position (GRCh38, 1-based): chr15:72,346,619, C>G on the plus strand (G>C on the coding strand, the complement: HEXA is on the minus strand). VCF-style: chr15-72346619-C-G. GRCh37 (hg19) VCF-style: chr15-72638960-C-G.
Other names: c.1271G>C, p.Arg424Pro (NM_001318825.2); short protein forms R413P, R424P.
Identifiers: ClinVar variation 1425182 (VCV001425182.7), dbSNP rs766988109, ClinGen allele CA7644749.
Genomic context (GRCh38, chr15:72,346,619, plus strand): 5'-TCCTTCCAGTCAGGGCCATAGGATATACGGTTCAGGTACCAGGGGGCAGAGAGAAGGGCC[C>G]GGAAGCCGGCCTTGGTGACCAGTTCCAGCTCCTTCATATAGTTCACTGGAATATCCTCTC-3'
Protein context (NP_000511.2, residues 403-423): ELELVTKAGF[Arg413Pro]ALLSAPWYLN